The following is an entry in ClinVar:

NM_001020658.2(PUM1):c.2441C>T (p.Ser814Phe)

Gene: PUM1 (pumilio RNA binding family member 1; minus strand). Cytogenetic location: 1p35.2.
Variant type: single nucleotide variant.
Coding change: c.2441C>T on transcript NM_001020658.2 (MANE Select); coding-DNA position 2441, C replaced by T.
Protein change: p.Ser814Phe; replaces serine 814 with phenylalanine.
Molecular consequence: missense variant.
Genome position (GRCh38, 1-based): chr1:30,953,864, G>A on the plus strand (C>T on the coding strand, the complement: PUM1 is on the minus strand). VCF-style: chr1-30953864-G-A. GRCh37 (hg19) VCF-style: chr1-31426711-G-A.
Other names: c.2441C>T, p.Ser814Phe (NM_014676.3); short protein forms S814F.
Identifiers: ClinVar variation 3906984 (VCV003906984.1).
Genomic context (GRCh38, chr1:30,953,864, plus strand): 5'-TCCAAAAGCCTGCTCCTGCCAGAAGGCATGACATCAGACATTCCATATCGCAAACGAGAG[G>A]AAGAGAAAAGAGTGCTGCTCGGGCTGAAGAGGCTGGAGGCGCTGCTTGCACTGCGGTACT-3'
Protein context (NP_001018494.1, residues 804-824): LFSPSSTLFS[Ser814Phe]SRLRYGMSDV

ClinVar aggregate classification (germline): Uncertain significance (1 of 4 stars; one submission).

Conditions:
Spinocerebellar ataxia 47 (NEDMSF). Also called: neurodevelopmental disorder with motor abnormalities, seizures, and facial dysmorphism; PADDAS SYNDROME. Identifiers: Orphanet 642747, MedGen C4693672, MONDO:0033482, OMIM 620719.

Submission:

Institute of Human Genetics, University of Goettingen
Classification: Uncertain significance for Spinocerebellar ataxia 47. Review status: criteria provided, single submitter. Criteria: ACMG Guidelines, 2015. Collection method: clinical testing. Allele origin: paternal. Affected: yes.
Comment: The variant c.2441C>T p.Ser814Phe on gene PUM1 is a missense variant. Computational predictions for the impact of this variant yield a CADD score of 26.1 and a REVEL score of 0.241. These scores suggest that the variant may have a deleterious effect on the gene product, although the predictive values are not definitive. According to the ACMG/AMP criteria, the variant has been classified as having uncertain significance for three MedGen conditions. The most severe classification of uncertain significance has been assigned for the condition known as Spinocerebellar Ataxia Type 47 (SCA47). For this condition, the variant met the following ACMG/AMP criteria: PM2 (moderate evidence for pathogenicity based on the rarity of the variant in the general population) and PP2 (supporting evidence for pathogenicity based on the presence of missense variants in a gene with a low rate of benign missense variation and where missense variants are a common mechanism of disease).